The following is an entry in ClinVar:

NM_144670.6(A2ML1):c.409+1G>A

Genes: A2ML1 (alpha-2-macroglobulin like 1; plus strand), A2ML1-AS1 (A2ML1 antisense RNA 1; minus strand). Cytogenetic location: 12p13.31.
Variant type: single nucleotide variant.
Coding change: c.409+1G>A on transcript NM_144670.6 (MANE Select); the canonical splice donor site of the intron after coding-DNA position 409, G replaced by A.
Molecular consequence: splice donor variant.
Genome position (GRCh38, 1-based): chr12:8,823,883, G>A. VCF-style: chr12-8823883-G-A. GRCh37 (hg19) VCF-style: chr12-8976479-G-A.
Identifiers: ClinVar variation 1696020 (VCV001696020.4), dbSNP rs1454374124, ClinGen allele CA383819501.

ClinVar aggregate classification (germline): Uncertain significance. Review status: criteria provided, multiple submitters, no conflicts (2 of 4 stars). 2 submissions from 2 submitters: Uncertain significance (2). Last evaluated 2023-10-12.

Allele frequency attached by ClinVar (database versions not stated): TOPMed 0.00001; gnomAD exomes 0.00002 and 0.00001.
gnomAD v4.1: 6 of 1,609,100 alleles (0.00037%); highest among the groups gnomAD compares: Admixed American, 0.0067%; no homozygotes.

Submissions (2):

Labcorp Genetics (formerly Invitae), Labcorp
Classification: Uncertain significance. Last evaluated: 2023-10-12. Review status: criteria provided, single submitter. Criteria: Invitae Variant Classification Sherloc (09022015). Collection method: clinical testing. Allele origin: germline.
Comment: This sequence change affects a donor splice site in intron 3 of the A2ML1 gene. It is expected to disrupt RNA splicing. Variants that disrupt the donor or acceptor splice site typically lead to a loss of protein function (PMID: 16199547), however the current clinical and genetic evidence is not sufficient to establish whether loss-of-function variants in A2ML1 cause disease. This variant is present in population databases (no rsID available, gnomAD 0.01%). This variant has not been reported in the literature in individuals affected with A2ML1-related conditions. ClinVar contains an entry for this variant (Variation ID: 1696020). Algorithms developed to predict the effect of sequence changes on RNA splicing suggest that this variant may disrupt the consensus splice site. In summary, the available evidence is currently insufficient to determine the role of this variant in disease. Therefore, it has been classified as a Variant of Uncertain Significance.

Women's Health and Genetics/Laboratory Corporation of America, LabCorp
Classification: Uncertain significance. Last evaluated: 2022-05-31. Review status: criteria provided, single submitter. Criteria: LabCorp Variant Classification Summary - May 2015. Collection method: clinical testing. Allele origin: germline.
Comment: Variant summary: A2ML1 c.409+1G>A is located in a canonical splice-site and is predicted to affect mRNA splicing resulting in a significantly altered protein due to either exon skipping, shortening, or inclusion of intronic material. Several computational tools predict a significant impact on normal splicing: Four predict the variant abolishes a 5 prime splicing donor site. However, these predictions have yet to be confirmed by functional studies. The variant allele was found at a frequency of 2e-05 in 246288 control chromosomes. The available data on variant occurrences in the general population are insufficient to allow any conclusion about variant significance. To our knowledge, no occurrence of c.409+1G>A in individuals affected with Noonan Syndrome and no experimental evidence demonstrating its impact on protein function have been reported. No clinical diagnostic laboratories have submitted clinical-significance assessments for this variant to ClinVar after 2014. Based on the evidence outlined above, the variant was classified as uncertain significance.

Literature cited by the submitters: PubMed 16199547 (cited by Labcorp Genetics (formerly Invitae), Labcorp).